The following is an entry in ClinVar:

ClinVar aggregate classification (germline): Uncertain significance. Review status: criteria provided, multiple submitters, no conflicts (2 of 4 stars). 2 submissions from 2 submitters: Uncertain significance (2). Last evaluated 2025-01-15.

Conditions:
Chédiak-Higashi syndrome (CHS). Also called: Chediak-Higashi Syndrome. Identifiers: Orphanet 167, MedGen C0007965, MONDO:0008963, OMIM 214500.

Allele frequency attached by ClinVar (database versions not stated): gnomAD exomes below 0.00001 and 0.00001; ExAC 0.00001; gnomAD 0.00001; TOPMed 0.00001.
gnomAD v4.1: 23 of 1,613,964 alleles (0.0014%); highest among the groups gnomAD compares: East Asian, 0.025%; no homozygotes.

Submissions (2):

Labcorp Genetics (formerly Invitae), Labcorp
Classification: Uncertain significance for Chédiak-Higashi syndrome. Last evaluated: 2025-01-15. Review status: criteria provided, single submitter. Criteria: Invitae Variant Classification Sherloc (09022015). Collection method: clinical testing. Allele origin: germline.
Comment: This sequence change replaces arginine, which is basic and polar, with glutamine, which is neutral and polar, at codon 546 of the LYST protein (p.Arg546Gln). This variant is present in population databases (rs751609899, gnomAD 0.006%). This variant has not been reported in the literature in individuals affected with LYST-related conditions. ClinVar contains an entry for this variant (Variation ID: 978193). Invitae Evidence Modeling of protein sequence and biophysical properties (such as structural, functional, and spatial information, amino acid conservation, physicochemical variation, residue mobility, and thermodynamic stability) indicates that this missense variant is not expected to disrupt LYST protein function with a negative predictive value of 80%. In summary, the available evidence is currently insufficient to determine the role of this variant in disease. Therefore, it has been classified as a Variant of Uncertain Significance.

New York Genome Center
Classification: Uncertain significance for Chédiak-Higashi syndrome. Last evaluated: 2019-12-24. Review status: criteria provided, single submitter. Criteria: NYGC Assertion Criteria 2020. Collection method: clinical testing. Allele origin: germline. Observed: 1 heterozygote. Study: CSER-NYCKidSeq.

NM_000081.4(LYST):c.1637G>A (p.Arg546Gln)

Gene: LYST (lysosomal trafficking regulator; minus strand). Cytogenetic location: 1q42.3.
Variant type: single nucleotide variant.
Coding change: c.1637G>A on transcript NM_000081.4 (MANE Select); coding-DNA position 1637, G replaced by A.
Protein change: p.Arg546Gln; replaces arginine 546 with glutamine.
Molecular consequence: missense variant.
Genome position (GRCh38, 1-based): chr1:235,809,181, C>T on the plus strand (G>A on the coding strand, the complement: LYST is on the minus strand). VCF-style: chr1-235809181-C-T. GRCh37 (hg19) VCF-style: chr1-235972481-C-T.
Other names: c.1637G>A, p.Arg546Gln (NM_001301365.1); short protein forms R546Q.
Identifiers: ClinVar variation 978193 (VCV000978193.7), dbSNP rs751609899, ClinGen allele CA1467437.
Genomic context (GRCh38, chr1:235,809,181, plus strand): 5'-AAGGAAGCCTGCTGTAGTAAGCGCAAGCACTGATGGGCACACACTGCAATGCAACAGCAC[C>T]GCTCAGGATAATAAACATCTCCATCTGCAGTCTCTTCAAATGGGTTTTTGGAAACCTGGT-3'
Protein context (NP_000072.2, residues 536-556): TADGDVYYPE[Arg546Gln]CCCIAVCAHQ